The following is an entry in ClinVar:

ClinVar aggregate classification (germline): Uncertain significance. Review status: criteria provided, multiple submitters, no conflicts (2 of 4 stars). 2 submissions from 2 submitters: Uncertain significance (2). Last evaluated 2023-02-22.

Allele frequency attached by ClinVar (database versions not stated): gnomAD exomes below 0.00001 and 0.00002; TOPMed below 0.00001; gnomAD 0.00001; ExAC 0.00002.
gnomAD v4.1: 9 of 1,613,882 alleles (0.00056%); highest among the groups gnomAD compares: Non-Finnish European, 0.00025%; no homozygotes.

Submissions (2):

Labcorp Genetics (formerly Invitae), Labcorp
Classification: Uncertain significance. Last evaluated: 2023-02-22. Review status: criteria provided, single submitter. Criteria: Invitae Variant Classification Sherloc (09022015). Collection method: clinical testing. Allele origin: germline.
Comment: This sequence change replaces threonine, which is neutral and polar, with methionine, which is neutral and non-polar, at codon 249 of the ACVR1 protein (p.Thr249Met). In summary, the available evidence is currently insufficient to determine the role of this variant in disease. Therefore, it has been classified as a Variant of Uncertain Significance. An algorithm developed to predict the effect of missense changes on protein structure and function (PolyPhen-2) suggests that this variant is likely to be disruptive. ClinVar contains an entry for this variant (Variation ID: 808833). This variant has not been reported in the literature in individuals affected with ACVR1-related conditions. This variant is present in population databases (rs760152551, gnomAD 0.02%).

CeGaT Center for Human Genetics Tuebingen
Classification: Uncertain significance. Last evaluated: 2016-04-01. Review status: criteria provided, single submitter. Criteria: CeGaT Center For Human Genetics Tuebingen Variant Classification Criteria Version 2. Collection method: clinical testing. Allele origin: germline. Affected: yes. Observed: 1 variant allele.

NM_001111067.4(ACVR1):c.746C>T (p.Thr249Met)

Gene: ACVR1 (activin A receptor type 1; minus strand). Cytogenetic location: 2q24.1.
Variant type: single nucleotide variant.
Coding change: c.746C>T on transcript NM_001111067.4 (MANE Select); coding-DNA position 746, C replaced by T.
Protein change: p.Thr249Met; replaces threonine 249 with methionine.
Molecular consequence: missense variant.
Genome position (GRCh38, 1-based): chr2:157,770,412, G>A on the plus strand (C>T on the coding strand, the complement: ACVR1 is on the minus strand). VCF-style: chr2-157770412-G-A. GRCh37 (hg19) VCF-style: chr2-158626924-G-A.
Other names: c.746C>T, p.Thr249Met (NM_001105.5, NM_001347663.1, NM_001347664.1 and 3 more transcripts); short protein forms T249M.
Identifiers: ClinVar variation 808833 (VCV000808833.45), dbSNP rs760152551, ClinGen allele CA1919072.